The following is an entry in ClinVar:

NM_000135.4(FANCA):c.3683C>G (p.Ala1228Gly)

Gene: FANCA (FA complementation group A; minus strand). Cytogenetic location: 16q24.3.
Variant type: single nucleotide variant.
Coding change: c.3683C>G on transcript NM_000135.4 (MANE Select); coding-DNA position 3683, C replaced by G.
Protein change: p.Ala1228Gly; replaces alanine 1228 with glycine.
Molecular consequence: missense variant.
Genome position (GRCh38, 1-based): chr16:89,742,882, G>C on the plus strand (C>G on the coding strand, the complement: FANCA is on the minus strand). VCF-style: chr16-89742882-G-C. GRCh37 (hg19) VCF-style: chr16-89809290-G-C.
Other names: c.3683C>G, p.Ala1228Gly (NM_001286167.3); short protein forms A1228G.
Identifiers: ClinVar variation 2045290 (VCV002045290.4), dbSNP rs2143062063, ClinGen allele CA397485442.

ClinVar aggregate classification (germline): Uncertain significance (1 of 4 stars; one submission).

Conditions:
Fanconi anemia (FA). Also called: Fanconi's anemia. Identifiers: Orphanet 84, MedGen C0015625, MeSH D005199, MONDO:0019391.

Submission:

Labcorp Genetics (formerly Invitae), Labcorp
Classification: Uncertain significance for Fanconi anemia. Last evaluated: 2021-12-20. Review status: criteria provided, single submitter. Criteria: Invitae Variant Classification Sherloc (09022015). Collection method: clinical testing. Allele origin: germline.
Comment: Algorithms developed to predict the effect of missense changes on protein structure and function (SIFT, PolyPhen-2, Align-GVGD) all suggest that this variant is likely to be tolerated. In summary, the available evidence is currently insufficient to determine the role of this variant in disease. Therefore, it has been classified as a Variant of Uncertain Significance. This variant has not been reported in the literature in individuals affected with FANCA-related conditions. This sequence change replaces alanine, which is neutral and non-polar, with glycine, which is neutral and non-polar, at codon 1228 of the FANCA protein (p.Ala1228Gly). This variant is not present in population databases (gnomAD no frequency).